The following is an entry in ClinVar:

NC_000001.10:g.(?_12069639)_(12069793_?)del

Gene: MFN2 (mitofusin 2; plus strand). Cytogenetic location: 1p36.22.
Variant type: Deletion.
Identifiers: ClinVar variation 1056264 (VCV001056264.7).

ClinVar aggregate classification (germline): Uncertain significance (1 of 4 stars; one submission).

Conditions:
Charcot-Marie-Tooth disease type 2. Also called: Charcot-Marie-Tooth type 2. Identifiers: Orphanet 64746, MedGen C0270914, MONDO:0018993.

Submission:

Labcorp Genetics (formerly Invitae), Labcorp
Classification: Uncertain significance for Charcot-Marie-Tooth disease type 2. Last evaluated: 2021-02-02. Review status: criteria provided, single submitter. Criteria: Invitae Variant Classification Sherloc (09022015). Collection method: clinical testing. Allele origin: germline.
Comment: In summary, the available evidence is currently insufficient to determine the role of this variant in disease. Therefore, it has been classified as a Variant of Uncertain Significance. This variant has not been reported in the literature in individuals with MFN2-related conditions. This variant is a gross deletion of the genomic region encompassing exon(s) 18 of the MFN2 gene. This variant would be expected to be in-frame, preserving the integrity of the reading frame.